The following is an entry in ClinVar:

NM_000392.5(ABCC2):c.1177C>T (p.Arg393Trp)

Gene: ABCC2 (ATP binding cassette subfamily C member 2; plus strand). Cytogenetic location: 10q24.2.
Variant type: single nucleotide variant.
Coding change: c.1177C>T on transcript NM_000392.5 (MANE Select); coding-DNA position 1177, C replaced by T.
Protein change: p.Arg393Trp; replaces arginine 393 with tryptophan.
Molecular consequence: missense variant.
Genome position (GRCh38, 1-based): chr10:99,800,531, C>T. VCF-style: chr10-99800531-C-T. GRCh37 (hg19) VCF-style: chr10-101560288-C-T.
Other names: c.1177C>T (NM_000392.4); c.1177C>T, p.Arg393Trp (LRG_1208t1); short protein forms R393W.
Identifiers: ClinVar variation 497221 (VCV000497221.18), dbSNP rs777902199, ClinGen allele CA5643098.

ClinVar aggregate classification (germline): Pathogenic/Likely pathogenic. Review status: criteria provided, multiple submitters, no conflicts (2 of 4 stars). 7 submissions from 7 submitters: Pathogenic (4); Likely pathogenic (2). 1 of the submissions does not count toward it. Last evaluated 2025-12-24.

Conditions:
ABCC2-related disorder. Also called: ABCC2-related condition.
Dubin-Johnson syndrome (DJS). Also called: Jaundice, Chronic Idiopathic; Hyperbilirubinemia type 2; HYPERBILIRUBINEMIA, DUBIN-JOHNSON TYPE. Identifiers: Orphanet 234, MedGen C0022350, MONDO:0009380, OMIM 237500.

Allele frequency attached by ClinVar (database versions not stated): gnomAD 0.00003; TOPMed 0.00004.
gnomAD v4.1: 56 of 1,614,000 alleles (0.0035%); highest among the groups gnomAD compares: East Asian, 0.033%; no homozygotes.

Submissions (7):

Labcorp Genetics (formerly Invitae), Labcorp
Classification: Pathogenic. Last evaluated: 2025-12-24. Review status: criteria provided, single submitter. Criteria: Invitae Variant Classification Sherloc (09022015). Collection method: clinical testing. Allele origin: germline.
Comment: This sequence change replaces arginine, which is basic and polar, with tryptophan, which is neutral and slightly polar, at codon 393 of the ABCC2 protein (p.Arg393Trp). This variant is present in population databases (rs777902199, gnomAD 0.06%). This missense change has been observed in individual(s) with Dubin-Johnson syndrome (PMID: 15870973, 16549534, 29499989, 30366773). In at least one individual the data is consistent with being in trans (on the opposite chromosome) from a pathogenic variant. ClinVar contains an entry for this variant (Variation ID: 497221). Invitae Evidence Modeling of protein sequence and biophysical properties (such as structural, functional, and spatial information, amino acid conservation, physicochemical variation, residue mobility, and thermodynamic stability) indicates that this missense variant is not expected to disrupt ABCC2 protein function with a negative predictive value of 80%. For these reasons, this variant has been classified as Pathogenic.

3billion
Classification: Likely pathogenic for Dubin-Johnson syndrome. Last evaluated: 2025-04-25. Review status: criteria provided, single submitter. Criteria: ACMG Guidelines, 2015. Collection method: clinical testing. Allele origin: germline. Affected: yes.

Women's Health and Genetics/Laboratory Corporation of America, LabCorp
Classification: Pathogenic for Dubin-Johnson syndrome. Last evaluated: 2025-01-27. Review status: criteria provided, single submitter. Criteria: LabCorp Variant Classification Summary - May 2015. Collection method: clinical testing. Allele origin: germline.
Comment: Variant summary: ABCC2 c.1177C>T (p.Arg393Trp) results in a non-conservative amino acid change located in the ABC transporter transmembrane region domain (IPR036640) of the encoded protein sequence. Five of five in-silico tools predict a damaging effect of the variant on protein function. The variant allele was found at a frequency of 7.2e-05 in 251136 control chromosomes. This frequency is not significantly higher than estimated for a pathogenic variant in ABCC2 causing Dubin-Johnson Syndrome, allowing no conclusion about variant significance. c.1177C>T has been reported in the literature in multiple compound heterozygous or homozygous individuals affected with Dubin-Johnson Syndrome or cholestasis (e.g. Machida_2005, Lee_2006, Togawa_2018, Chen_2019, Wang_2020). These data indicate that the variant is very likely to be associated with disease. To our knowledge, no experimental evidence demonstrating an impact on protein function has been reported. The following publications have been ascertained in the context of this evaluation (PMID: 30366773, 16549534, 15870973, 31450232, 29499989). ClinVar contains an entry for this variant (Variation ID: 497221). Based on the evidence outlined above, the variant was classified as pathogenic.

Blueprint Genetics
Classification: Pathogenic for ABCC2-related disorders. Last evaluated: 2024-09-09. Review status: criteria provided, single submitter. Criteria: ACMG Guidelines, 2015. Collection method: clinical testing. Allele origin: germline. Affected: yes. Observed: 5 variant alleles.

Eurofins Ntd Llc (ga)
Classification: Likely pathogenic. Last evaluated: 2018-03-22. Review status: criteria provided, single submitter. Criteria: EGL ClinVar v180209 classification definitions. Collection method: clinical testing. Allele origin: germline. Observed: 3 variant alleles, 3 heterozygotes.

Juno Genomics, Hangzhou Juno Genomics, Inc
Classification: Pathogenic for Dubin-Johnson syndrome. Review status: criteria provided, single submitter. Criteria: ACMG Guidelines, 2015. Collection method: clinical testing. Allele origin: germline. Affected: yes.
Comment: Absent from controls (or at extremely low frequency if recessive) in Genome Aggregation Database, Exome Sequencing Project, 1000 Genomes Project, or Exome Aggregation Consortium.;Multiple lines of computational evidence support a deleterious effect on the gene or gene product (conservation, evolutionary, splicing impact, etc).;For recessive disorders, detected in trans with a pathogenic variant.;Patient's phenotype or family history is highly specific for a disease with a single genetic etiology.

PreventionGenetics, part of Exact Sciences
Classification: Likely pathogenic for ABCC2-related condition. Last evaluated: 2024-06-11. Review status: no assertion criteria provided. Collection method: clinical testing. Allele origin: germline. Not counted in ClinVar's aggregate classification.
Comment: The ABCC2 c.1177C>T variant is predicted to result in the amino acid substitution p.Arg393Trp. This variant has been reported in the compound heterozygous and homozygous states in individuals with Dubin-Johnson syndrome or infant cholestasis (Machida et al. 2005. PubMed ID: 15870973; Lee et al. 2006. PubMed ID: 16549534; Chen et al. 2018. PubMed ID: 30366773). However, no functional studies were performed in these reports. The c.1177C>T variant is interpreted as pathogenic and likely pathogenic in ClinVar. We classify the c.1177C>T (p.Arg393Trp) variant as likely pathogenic.

Literature cited by the submitters: PubMed 15870973 (cited by 3 submitters); PubMed 16549534 (cited by Labcorp Genetics (formerly Invitae), Labcorp and Women's Health and Genetics/Laboratory Corporation of America, LabCorp); PubMed 29499989 (cited by Labcorp Genetics (formerly Invitae), Labcorp and Women's Health and Genetics/Laboratory Corporation of America, LabCorp); PubMed 30366773 (cited by Labcorp Genetics (formerly Invitae), Labcorp and Women's Health and Genetics/Laboratory Corporation of America, LabCorp); PubMed 31450232 (cited by Women's Health and Genetics/Laboratory Corporation of America, LabCorp).